The following is an entry in ClinVar:

NM_178822.5(IGSF10):c.3533C>T (p.Thr1178Ile)

Gene: IGSF10 (immunoglobulin superfamily member 10; minus strand). Cytogenetic location: 3q25.1.
Variant type: single nucleotide variant.
Coding change: c.3533C>T on transcript NM_178822.5 (MANE Select); coding-DNA position 3533, C replaced by T.
Protein change: p.Thr1178Ile; replaces threonine 1178 with isoleucine.
Molecular consequence: missense variant.
Genome position (GRCh38, 1-based): chr3:151,446,448, G>A on the plus strand (C>T on the coding strand, the complement: IGSF10 is on the minus strand). VCF-style: chr3-151446448-G-A. GRCh37 (hg19) VCF-style: chr3-151164236-G-A.
Other names: c.3533C>T, p.Thr1178Ile (NM_001385060.1, NM_001385061.1, NM_001385062.1 and 1 more transcripts); short protein forms T1178I.
Identifiers: ClinVar variation 3285609 (VCV003285609.2).
Genomic context (GRCh38, chr3:151,446,448, plus strand): 5'-AACCTTGTAATGGCTATAATAGTCATTGGTGGCTTGGTGATAGCACCTGAAAGTGACGAT[G>A]TAATCACTGAATCTCTTTTAGCTTCATTGGTGCTAGACACACGTGGGTAACTGGCGTTTA-3'
Protein context (NP_849144.2, residues 1168-1188): TNEAKRDSVI[Thr1178Ile]SSLSGAITKP

ClinVar aggregate classification (germline): Uncertain significance. Review status: criteria provided, multiple submitters, no conflicts (2 of 4 stars). 2 submissions from 2 submitters: Uncertain significance (2). Last evaluated 2025-09-09.

gnomAD v4.1: 22 of 1,613,974 alleles (0.0014%); highest among the groups gnomAD compares: Admixed American, 0.027%; no homozygotes.

Submissions (2):

Labcorp Genetics (formerly Invitae), Labcorp
Classification: Uncertain significance. Last evaluated: 2025-09-09. Review status: criteria provided, single submitter. Criteria: Invitae Variant Classification Sherloc (09022015). Collection method: clinical testing. Allele origin: germline.
Comment: This sequence change replaces threonine, which is neutral and polar, with isoleucine, which is neutral and non-polar, at codon 1178 of the IGSF10 protein (p.Thr1178Ile). This variant is present in population databases (rs752002302, gnomAD 0.04%). This variant has not been reported in the literature in individuals affected with IGSF10-related conditions. ClinVar contains an entry for this variant (Variation ID: 3285609). An algorithm developed to predict the effect of missense changes on protein structure and function outputs the following: PolyPhen-2: "Benign". The isoleucine amino acid residue is found in multiple mammalian species, which suggests that this missense change does not adversely affect protein function. In summary, the available evidence is currently insufficient to determine the role of this variant in disease. Therefore, it has been classified as a Variant of Uncertain Significance.

Ambry Genetics
Classification: Uncertain significance. Last evaluated: 2024-04-20. Review status: criteria provided, single submitter. Criteria: Ambry Variant Classification Scheme 2023. Collection method: clinical testing. Allele origin: germline.